The following is an entry in ClinVar:

NM_022051.3(EGLN1):c.319G>C (p.Ala107Pro)

Gene: EGLN1 (egl-9 family hypoxia inducible factor 1; minus strand). Cytogenetic location: 1q42.2.
Variant type: single nucleotide variant.
Coding change: c.319G>C on transcript NM_022051.3 (MANE Select); coding-DNA position 319, G replaced by C.
Protein change: p.Ala107Pro; replaces alanine 107 with proline.
Molecular consequence: missense variant.
Genome position (GRCh38, 1-based): chr1:231,421,570, C>G on the plus strand (G>C on the coding strand, the complement: EGLN1 is on the minus strand). VCF-style: chr1-231421570-C-G. GRCh37 (hg19) VCF-style: chr1-231557316-C-G.
Other names: c.319G>C, p.Ala107Pro (NM_001377260.1, NM_001377261.1); short protein forms A107P.
Identifiers: ClinVar variation 1728775 (VCV001728775.2), dbSNP rs531081279, ClinGen allele CA345237740.

ClinVar aggregate classification (germline): Uncertain significance (1 of 4 stars; one submission).

Submission:

Ambry Genetics
Classification: Uncertain significance. Last evaluated: 2022-07-19. Review status: criteria provided, single submitter. Criteria: Ambry Variant Classification Scheme 2023. Collection method: clinical testing. Allele origin: germline.
Comment: The p.A107P variant (also known as c.319G>C), located in coding exon 1 of the EGLN1 gene, results from a G to C substitution at nucleotide position 319. The alanine at codon 107 is replaced by proline, an amino acid with highly similar properties. This amino acid position is conserved. In addition, this alteration is predicted to be tolerated by in silico analysis. Since supporting evidence is limited at this time, the clinical significance of this alteration remains unclear.